The following is an entry in ClinVar:

NM_000368.5(TSC1):c.291A>G (p.Ile97Met)

Gene: TSC1 (TSC complex subunit 1; minus strand). Cytogenetic location: 9q34.13.
Variant type: single nucleotide variant.
Coding change: c.291A>G on transcript NM_000368.5 (MANE Select); coding-DNA position 291, A replaced by G.
Protein change: p.Ile97Met; replaces isoleucine 97 with methionine.
Molecular consequence: missense variant. On other transcripts: 5 prime UTR variant (1), intron variant (1).
Genome position (GRCh38, 1-based): chr9:132,925,659, T>C on the plus strand (A>G on the coding strand, the complement: TSC1 is on the minus strand). VCF-style: chr9-132925659-T-C. GRCh37 (hg19) VCF-style: chr9-135801046-T-C.
Other names: c.291A>G, p.Ile97Met (NM_001162426.2); c.-73A>G (NM_001362177.2); c.210+1542A>G (NM_001162427.2); short protein forms I97M.
Identifiers: ClinVar variation 821973 (VCV000821973.10), dbSNP rs1588355427, ClinGen allele CA375374564.

ClinVar aggregate classification (germline): Conflicting classifications of pathogenicity. Review status: criteria provided, conflicting classifications (1 of 4 stars). 4 submissions from 4 submitters: Uncertain significance (3); Likely benign (1). Last evaluated 2024-09-20.

Conditions:
Tuberous sclerosis 1 (TSC1). Identifiers: Orphanet 805, MedGen C1854465, MONDO:0008612, OMIM 191100.
Hereditary cancer-predisposing syndrome. Also called: Hereditary Cancer Syndrome; Neoplastic Syndromes, Hereditary; Hereditary neoplastic syndrome; Tumor predisposition. Identifiers: Orphanet 140162, MedGen C0027672, MeSH D009386, MONDO:0015356.
Lymphangiomyomatosis (LAM). Also called: Lymphangioleiomyomatosis, somatic; Lymphangioleiomyomatosis. Identifiers: Orphanet 538, MedGen C0751674, MONDO:0011705, OMIM 606690.
Isolated focal cortical dysplasia type II (FCORD2). Also called: Focal cortical dysplasia type II; CORTICAL DYSPLASIA OF TAYLOR. Identifiers: Orphanet 268994, MedGen C1846385, MONDO:0011818, OMIM 607341, HP:0032051.

Submissions (4):

3billion
Classification: Likely benign for Isolated focal cortical dysplasia type II; Lymphangiomyomatosis; Tuberous sclerosis 1. Last evaluated: 2024-09-20. Review status: criteria provided, single submitter. Criteria: ACMG Guidelines, 2015. Collection method: clinical testing. Allele origin: germline. Affected: no.
Comment: The variant was identified in at least one patient who was diagnosed with a different variant in another gene and showed no symptoms related to the gene containing the variant in question.

Genomic Medicine Center of Excellence, King Faisal Specialist Hospital and Research Centre
Classification: Uncertain significance for Tuberous sclerosis 1. Last evaluated: 2024-03-25. Review status: criteria provided, single submitter. Criteria: ACMG Guidelines, 2015. Collection method: research. Allele origin: germline.

Labcorp Genetics (formerly Invitae), Labcorp
Classification: Uncertain significance for Tuberous sclerosis 1. Last evaluated: 2024-03-14. Review status: criteria provided, single submitter. Criteria: Invitae Variant Classification Sherloc (09022015). Collection method: clinical testing. Allele origin: germline.
Comment: This sequence change replaces isoleucine, which is neutral and non-polar, with methionine, which is neutral and non-polar, at codon 97 of the TSC1 protein (p.Ile97Met). This variant is not present in population databases (gnomAD no frequency). This variant has not been reported in the literature in individuals affected with TSC1-related conditions. ClinVar contains an entry for this variant (Variation ID: 821973). Advanced modeling of protein sequence and biophysical properties (such as structural, functional, and spatial information, amino acid conservation, physicochemical variation, residue mobility, and thermodynamic stability) performed at Invitae indicates that this missense variant is not expected to disrupt TSC1 protein function with a negative predictive value of 95%. In summary, the available evidence is currently insufficient to determine the role of this variant in disease. Therefore, it has been classified as a Variant of Uncertain Significance.

Ambry Genetics
Classification: Uncertain significance for Hereditary cancer-predisposing syndrome. Last evaluated: 2023-08-23. Review status: criteria provided, single submitter. Criteria: Ambry Variant Classification Scheme 2023. Collection method: clinical testing. Allele origin: germline.
Comment: The p.I97M variant (also known as c.291A>G), located in coding exon 3 of the TSC1 gene, results from an A to G substitution at nucleotide position 291. The isoleucine at codon 97 is replaced by methionine, an amino acid with highly similar properties. This amino acid position is not well conserved in available vertebrate species. In addition, the in silico prediction for this alteration is inconclusive. Since supporting evidence is limited at this time, the clinical significance of this alteration remains unclear.